The following is an entry in ClinVar:

ClinVar aggregate classification (germline): Uncertain significance (1 of 4 stars; one submission).

Conditions:
TRPC5-related disorder. Also called: TRPC5-related condition.

Submission:

PreventionGenetics, part of Exact Sciences
Classification: Uncertain significance for TRPC5-related condition. Last evaluated: 2025-11-04. Review status: criteria provided, single submitter. Criteria: ACMG Guidelines, 2015. Collection method: clinical testing. Allele origin: germline.
Comment: The TRPC5 c.2393_2394delCT variant is predicted to result in a frameshift and premature protein termination (p.Ser798Phefs*2). To our knowledge, this variant has not been reported in the literature or in a large population database (gnomAD), indicating this variant is rare. At this time, the clinical significance of this variant is uncertain due to the absence of conclusive functional and genetic evidence.

NM_012471.3(TRPC5):c.2393_2394del (p.Ser798fs)

Gene: TRPC5 (transient receptor potential cation channel subfamily C member 5; minus strand). Cytogenetic location: Xq23.
Variant type: Microsatellite.
Coding change: c.2393_2394del on transcript NM_012471.3 (MANE Select); coding-DNA positions 2393 to 2394, 2 bases deleted (CT; older notation c.2393_2394delCT).
Protein change: p.Ser798fs; shifts the reading frame from serine 798.
Molecular consequence: frameshift variant.
Genome position (GRCh38, 1-based): chrX:111,776,841-111,776,842, AG deleted on the plus strand (CT on the coding strand, the reverse complement: TRPC5 is on the minus strand); deleting any 2 consecutive bases within chrX:111,776,841-111,776,845 gives the same sequence; the c. name uses the placement nearest the transcript's 3' end. VCF-style (leftmost placement, unchanged base first): chrX-111776840-AAG-A. GRCh37 (hg19) VCF-style: chrX-111020068-AAG-A.
Other names: c.2390_2391TC[1], p.Ser798Phefs (NM_012471.2); c.2393_2394delCT (NM_012471.2); short protein forms S798fs.
Identifiers: ClinVar variation 3358323 (VCV003358323.2).
Genomic context (GRCh38, chrX:111,776,840, plus strand): 5'-TTGGCATGGTTCTGATGAGAGGTGGCCCATGGCAAGTCTTTTTCTTGCAGCCTAAATTAA[AAG>A]AGACACTCTTGGATTTGGCCCGAGCCCCACCACTGCCATCATTATTATCGTCTCTCTGAG-3'